The following is an entry in ClinVar:

ClinVar aggregate classification (germline): Uncertain significance (1 of 4 stars; one submission).

Conditions:
Hypercoagulability syndrome due to glycosylphosphatidylinositol deficiency (GPIBD1). Also called: GLYCOSYLPHOSPHATIDYLINOSITOL BIOSYNTHESIS DEFECT 1. Identifiers: Orphanet 83639, MedGen C5201145, MONDO:0012465, OMIM 610293.

Allele frequency attached by ClinVar (database versions not stated): gnomAD 0.00001; gnomAD exomes 0.00001 and 0.00002; ExAC 0.00003.

Submission:

Labcorp Genetics (formerly Invitae), Labcorp
Classification: Uncertain significance for Hypercoagulability syndrome due to glycosylphosphatidylinositol deficiency. Last evaluated: 2022-02-02. Review status: criteria provided, single submitter. Criteria: Invitae Variant Classification Sherloc (09022015). Collection method: clinical testing. Allele origin: germline.
Comment: In summary, the available evidence is currently insufficient to determine the role of this variant in disease. Therefore, it has been classified as a Variant of Uncertain Significance. Algorithms developed to predict the effect of missense changes on protein structure and function (SIFT, PolyPhen-2, Align-GVGD) all suggest that this variant is likely to be tolerated. This variant has not been reported in the literature in individuals affected with PIGM-related conditions. This variant is present in population databases (rs758854084, gnomAD 0.02%). This sequence change replaces leucine, which is neutral and non-polar, with isoleucine, which is neutral and non-polar, at codon 98 of the PIGM protein (p.Leu98Ile).

NM_145167.3(PIGM):c.292C>A (p.Leu98Ile)

Gene: PIGM (phosphatidylinositol glycan anchor biosynthesis class M; minus strand). Cytogenetic location: 1q23.2.
Variant type: single nucleotide variant.
Coding change: c.292C>A on transcript NM_145167.3 (MANE Select); coding-DNA position 292, C replaced by A.
Protein change: p.Leu98Ile; replaces leucine 98 with isoleucine.
Molecular consequence: missense variant.
Genome position (GRCh38, 1-based): chr1:160,031,448, G>T on the plus strand (C>A on the coding strand, the complement: PIGM is on the minus strand). VCF-style: chr1-160031448-G-T. GRCh37 (hg19) VCF-style: chr1-160001238-G-T.
Other names: short protein forms L98I.
Identifiers: ClinVar variation 1394697 (VCV001394697.8), dbSNP rs758854084, ClinGen allele CA1193074.